The following is an entry in ClinVar:

NM_004006.3(DMD):c.5326-54A>C

Gene: DMD (dystrophin; minus strand). Cytogenetic location: Xp21.1.
Variant type: single nucleotide variant.
Coding change: c.5326-54A>C on transcript NM_004006.3 (MANE Select); 54 bases into the intron before coding-DNA position 5326, A replaced by C.
Molecular consequence: intron variant.
Genome position (GRCh38, 1-based): chrX:32,348,582, T>G on the plus strand (A>C on the coding strand, the complement: DMD is on the minus strand). VCF-style: chrX-32348582-T-G. GRCh37 (hg19) VCF-style: chrX-32366699-T-G.
Other names: c.5302-54A>C (NM_000109.4); c.1303-54A>C (NM_004011.4); c.1294-54A>C (NM_004012.4); c.5314-54A>C (NM_004009.3); c.4957-54A>C (NM_004010.3).
Identifiers: ClinVar variation 671290 (VCV000671290.2), dbSNP rs41309607, ClinGen allele CA327985300.

ClinVar aggregate classification (germline): Likely benign. Review status: criteria provided, multiple submitters, no conflicts (2 of 4 stars). 2 submissions from 2 submitters: Likely benign (2). Last evaluated 2018-06-14.

Allele frequency attached by ClinVar (database versions not stated): 1000 Genomes Project 0.00477; 1000 Genomes Project 30x 0.00520; gnomAD 0.00904 and 0.00907; TOPMed 0.00910; gnomAD exomes 0.01298.
gnomAD v4.1: 13,105 of 1,046,438 alleles (1.3%); highest among the groups gnomAD compares: Non-Finnish European, 1.4%; 62 homozygotes.

Submissions (2):

GeneDx
Classification: Likely benign. Last evaluated: 2018-06-14. Review status: criteria provided, single submitter. Criteria: GeneDx Variant Classification (06012015). Collection method: clinical testing. Allele origin: germline. Affected: yes.
Comment: This variant is considered likely benign or benign based on one or more of the following criteria: it is a conservative change, it occurs at a poorly conserved position in the protein, it is predicted to be benign by multiple in silico algorithms, and/or has population frequency not consistent with disease.

Breakthrough Genomics
Classification: Likely benign. Review status: criteria provided, single submitter. Criteria: ACMG Guidelines, 2015. Collection method: not provided. Allele origin: germline. Inheritance: X-linked inheritance. Affected: yes.